The following is an entry in ClinVar:

ClinVar aggregate classification (germline): Conflicting classifications of pathogenicity. Review status: criteria provided, conflicting classifications (1 of 4 stars). 5 submissions from 5 submitters: Pathogenic (3); Uncertain significance (1). 1 of the submissions does not count toward it. Last evaluated 2026-02-19.

Conditions:
Pituitary hormone deficiency.
Pituitary hormone deficiency, combined, 2. Also called: PROP1-Related Combined Pituitary Hormone Deficiency; ATELIOTIC DWARFISM WITH HYPOGONADISM; HANHART DWARFISM; PITUITARY DWARFISM III. Identifiers: MedGen C0878683, MONDO:0009878, OMIM 262600.

Allele frequency attached by ClinVar (database versions not stated): gnomAD exomes 0.00001; gnomAD 0.00002; TOPMed 0.00002; ESP Exome Variant Server 0.00008.
gnomAD v4.1: 22 of 1,613,758 alleles (0.0014%); highest among the groups gnomAD compares: Admixed American, 0.005%; no homozygotes.

Submissions (5):

Myriad Genetics, Inc.
Classification: Uncertain significance for Pituitary hormone deficiency, combined, 2. Last evaluated: 2026-02-19. Review status: criteria provided, single submitter. Criteria: Myriad Autosomal Dominant, Autosomal Recessive and X-Linked Classification Criteria (2023). Collection method: clinical testing. Allele origin: unknown.
Comment: NM_006261.4(PROP1):c.373C>T(R125W) is a missense variant classified as a variant of uncertain significance in the context of combined pituitary hormone deficiency, PROP1-related. R125W has been observed in cases with relevant disease (PMID: 19128366, 32894409). Relevant functional assessments of this variant are available in the literature (PMID: 19128366). R125W has been observed in referenced population frequency databases. In summary, there is insufficient evidence to classify NM_006261.4(PROP1):c.373C>T(R125W) as pathogenic or benign. Please note: this variant was assessed in the context of healthy population screening.

NHS Central & South Genomic Laboratory Hub
Classification: Pathogenic for Pituitary hormone deficiency. Last evaluated: 2025-10-21. Review status: criteria provided, single submitter. Criteria: ACMG Guidelines, 2015. Collection method: clinical testing. Allele origin: germline. Affected: yes.

Natera, Inc.
Classification: Pathogenic for Combined pituitary hormone deficiency type 2. Last evaluated: 2025-08-04. Review status: criteria provided, single submitter. Criteria: Natera Variant Classification Schema (03/2026). Collection method: clinical testing. Allele origin: germline.
Comment: The c.373C>T variant in PROP1 is a missense variant predicted to cause substitution of arginine to tryptophan at amino acid 125. This variant is rare in the general population with a frequency below the threshold expected for the associated phenotype(s). This variant has been observed in one or more individuals affected with the associated recessive disease, as either homozygous or compound heterozygous with a second variant (PMID: 32894409, 19128366). Additionally, this variant has been observed to segregate in affected family members (PMID: 32894409, 19128366). A different variant at the same position has been determined to be Pathogenic or Likely Pathogenic. Computational prediction algorithms indicate this variant is likely to affect gene or protein function. Given the available evidence, this variant is classified as Pathogenic.

Labcorp Genetics (formerly Invitae), Labcorp
Classification: Pathogenic. Last evaluated: 2024-01-11. Review status: criteria provided, single submitter. Criteria: Invitae Variant Classification Sherloc (09022015). Collection method: clinical testing. Allele origin: germline.
Comment: This sequence change replaces arginine, which is basic and polar, with tryptophan, which is neutral and slightly polar, at codon 125 of the PROP1 protein (p.Arg125Trp). This variant is present in population databases (rs146918863, gnomAD 0.006%). This missense change has been observed in individual(s) with combined pituitary hormone deficiency (PMID: 19128366, 32894409). In at least one individual the data is consistent with being in trans (on the opposite chromosome) from a pathogenic variant. It has also been observed to segregate with disease in related individuals. ClinVar contains an entry for this variant (Variation ID: 552692). Advanced modeling of protein sequence and biophysical properties (such as structural, functional, and spatial information, amino acid conservation, physicochemical variation, residue mobility, and thermodynamic stability) has been performed at Invitae for this missense variant, however the output from this modeling did not meet the statistical confidence thresholds required to predict the impact of this variant on PROP1 protein function. Experimental studies have shown that this missense change affects PROP1 function (PMID: 19128366). Algorithms developed to predict the effect of sequence changes on RNA splicing suggest that this variant may disrupt the consensus splice site. For these reasons, this variant has been classified as Pathogenic.

Counsyl
Classification: Uncertain significance for Pituitary hormone deficiency, combined, 2. Last evaluated: 2017-06-30. Review status: no assertion criteria provided. Collection method: clinical testing. Allele origin: unknown. Not counted in ClinVar's aggregate classification.

Literature cited by the submitters: PubMed 19128366 (cited by 4 submitters); PubMed 32894409 (cited by 3 submitters).

NM_006261.5(PROP1):c.373C>T (p.Arg125Trp)

Gene: PROP1 (PROP paired-like homeobox 1; minus strand). Cytogenetic location: 5q35.3.
Variant type: single nucleotide variant.
Coding change: c.373C>T on transcript NM_006261.5 (MANE Select); coding-DNA position 373, C replaced by T.
Protein change: p.Arg125Trp; replaces arginine 125 with tryptophan.
Molecular consequence: missense variant.
Genome position (GRCh38, 1-based): chr5:177,993,017, G>A on the plus strand (C>T on the coding strand, the complement: PROP1 is on the minus strand). VCF-style: chr5-177993017-G-A. GRCh37 (hg19) VCF-style: chr5-177420018-G-A.
Other names: short protein forms R125W.
Identifiers: ClinVar variation 552692 (VCV000552692.21), dbSNP rs146918863, ClinGen allele CA132897376.
Genomic context (GRCh38, chr5:177,993,017, plus strand): 5'-TGGAAAAGGCGGCAGGAGACAGATGGGCCAGAGGCTGAAGCAGTGAGCGCTCTTGCTTCC[G>A]TTGCTTAGCTCTGCGGTTCTGGAACCAGACCTGAGAAGGGGTAGGAACCACATCAGAGCC-3'
Protein context (NP_006252.4, residues 115-135): VWFQNRRAKQ[Arg125Trp]KQERSLLQPL